The following is an entry in ClinVar:

NM_001330078.2(NRXN1):c.3219C>A (p.Asn1073Lys)

Gene: NRXN1 (neurexin 1; minus strand). Cytogenetic location: 2p16.3.
Variant type: single nucleotide variant.
Coding change: c.3219C>A on transcript NM_001330078.2 (MANE Select); coding-DNA position 3219, C replaced by A.
Protein change: p.Asn1073Lys; replaces asparagine 1073 with lysine.
Molecular consequence: missense variant.
Genome position (GRCh38, 1-based): chr2:50,472,323, G>T on the plus strand (C>A on the coding strand, the complement: NRXN1 is on the minus strand). VCF-style: chr2-50472323-G-T. GRCh37 (hg19) VCF-style: chr2-50699461-G-T.
Other names: c.3339C>A, p.Asn1113Lys (NM_001135659.3); c.3195C>A, p.Asn1065Lys (NM_001330077.2, NM_001330082.2); c.3153C>A, p.Asn1051Lys (NM_001330083.2, NM_001330084.2); c.3192C>A, p.Asn1064Lys (NM_001330085.2); c.3219C>A, p.Asn1073Lys (NM_001330086.2, NM_004801.6); c.3108C>A, p.Asn1036Lys (NM_001330087.2, NM_001330096.2); c.3138C>A, p.Asn1046Lys (NM_001330088.2); c.3216C>A, p.Asn1072Lys (NM_001330093.2); and 2 more; short protein forms N1056K, N1064K, N1065K, N1036K, N1046K, N1051K, N1069K, N1072K.
Identifiers: ClinVar variation 1390714 (VCV001390714.8), dbSNP rs563089155, ClinGen allele CA1654642.

ClinVar aggregate classification (germline): Uncertain significance (1 of 4 stars; one submission).

Conditions:
Pitt-Hopkins-like syndrome 2 (PTHSL2). Identifiers: Orphanet 221150, Orphanet 600663, MedGen C3280479, MONDO:0013690, OMIM 614325.

gnomAD v4.1: 4 of 1,609,906 alleles (0.00025%); highest among the groups gnomAD compares: Non-Finnish European, 0.00034%; no homozygotes.

Submission:

Labcorp Genetics (formerly Invitae), Labcorp
Classification: Uncertain significance for Pitt-Hopkins-like syndrome 2. Last evaluated: 2021-02-14. Review status: criteria provided, single submitter. Criteria: Invitae Variant Classification Sherloc (09022015). Collection method: clinical testing. Allele origin: germline.
Comment: In summary, the available evidence is currently insufficient to determine the role of this variant in disease. Therefore, it has been classified as a Variant of Uncertain Significance. Algorithms developed to predict the effect of sequence changes on RNA splicing suggest that this variant may create or strengthen a splice site, but this prediction has not been confirmed by published transcriptional studies. Algorithms developed to predict the effect of missense changes on protein structure and function (SIFT, PolyPhen-2, Align-GVGD) all suggest that this variant is likely to be tolerated, but these predictions have not been confirmed by published functional studies and their clinical significance is uncertain. This variant has not been reported in the literature in individuals with NRXN1-related conditions. This variant is present in population databases (rs563089155, ExAC 0.002%). This sequence change replaces asparagine with lysine at codon 1113 of the NRXN1 protein (p.Asn1113Lys). The asparagine residue is highly conserved and there is a moderate physicochemical difference between asparagine and lysine.